The following is an entry in ClinVar:

NM_152296.5(ATP1A3):c.2365C>T (p.Pro789Ser)

Gene: ATP1A3 (ATPase Na+/K+ transporting subunit alpha 3; minus strand). Cytogenetic location: 19q13.2.
Variant type: single nucleotide variant.
Coding change: c.2365C>T on transcript NM_152296.5 (MANE Select); coding-DNA position 2365, C replaced by T.
Protein change: p.Pro789Ser; replaces proline 789 with serine.
Molecular consequence: missense variant.
Genome position (GRCh38, 1-based): chr19:41,970,441, G>A on the plus strand (C>T on the coding strand, the complement: ATP1A3 is on the minus strand). VCF-style: chr19-41970441-G-A. GRCh37 (hg19) VCF-style: chr19-42474593-G-A.
Other names: c.2398C>T, p.Pro800Ser (NM_001256213.2); c.2404C>T, p.Pro802Ser (NM_001256214.2); short protein forms P789S, P800S, P802S.
Identifiers: ClinVar variation 4802146 (VCV004802146.1).

ClinVar aggregate classification (germline): Uncertain significance (1 of 4 stars; one submission).

Conditions:
Dystonia 12 (DYT12). Also called: DYT-ATP1A3; Rapid-Onset Dystonia-Parkinsonism (RDP). Identifiers: Orphanet 71517, MedGen C1868681, MONDO:0007496, OMIM 128235.

Submission:

Labcorp Genetics (formerly Invitae), Labcorp
Classification: Uncertain significance for Dystonia 12. Last evaluated: 2025-12-16. Review status: criteria provided, single submitter. Criteria: Invitae Variant Classification Sherloc (09022015). Collection method: clinical testing. Allele origin: germline.
Comment: This sequence change replaces proline, which is neutral and non-polar, with serine, which is neutral and polar, at codon 789 of the ATP1A3 protein (p.Pro789Ser). This variant is not present in population databases (gnomAD no frequency). This variant has not been reported in the literature in individuals affected with ATP1A3-related conditions. Invitae Evidence Modeling of protein sequence and biophysical properties (such as structural, functional, and spatial information, amino acid conservation, physicochemical variation, residue mobility, and thermodynamic stability) indicates that this missense variant is expected to disrupt ATP1A3 protein function with a positive predictive value of 95%. In summary, the available evidence is currently insufficient to determine the role of this variant in disease. Therefore, it has been classified as a Variant of Uncertain Significance.